The following is an entry in ClinVar:

NM_001384474.1(LOXHD1):c.1411G>A (p.Gly471Ser)

Gene: LOXHD1 (lipoxygenase homology PLAT domains 1; minus strand). Cytogenetic location: 18q21.1.
Variant type: single nucleotide variant.
Coding change: c.1411G>A on transcript NM_001384474.1 (MANE Select); coding-DNA position 1411, G replaced by A.
Protein change: p.Gly471Ser; replaces glycine 471 with serine.
Molecular consequence: missense variant.
Genome position (GRCh38, 1-based): chr18:46,593,620, C>T on the plus strand (G>A on the coding strand, the complement: LOXHD1 is on the minus strand). VCF-style: chr18-46593620-C-T. GRCh37 (hg19) VCF-style: chr18-44173583-C-T.
Other names: c.1411G>A, p.Gly471Ser (NM_144612.7); c.1411G>A (NM_144612.6); short protein forms G471S.
Identifiers: ClinVar variation 2202664 (VCV002202664.3), dbSNP rs370135563, ClinGen allele CA8952808.

ClinVar aggregate classification (germline): Uncertain significance. Review status: criteria provided, multiple submitters, no conflicts (2 of 4 stars). 3 submissions from 3 submitters: Uncertain significance (3). Last evaluated 2026-07-28.

Conditions:
Inborn genetic diseases. Identifiers: MedGen C0950123, MeSH D030342.
LOXHD1-related disorder. Also called: LOXHD1-related condition.

Allele frequency attached by ClinVar (database versions not stated): 1000 Genomes Project 30x 0.00016; ESP Exome Variant Server 0.00022.
gnomAD v4.1: 52 of 1,552,286 alleles (0.0033%); highest among the groups gnomAD compares: African/African-American, 0.0068%; no homozygotes.

Submissions (3):

PreventionGenetics, part of Exact Sciences
Classification: Uncertain significance for LOXHD1-related condition. Last evaluated: 2026-07-28. Review status: criteria provided, single submitter. Criteria: ACMG Guidelines, 2015. Collection method: clinical testing. Allele origin: germline.
Comment: The LOXHD1 c.1411G>A variant is predicted to result in the amino acid substitution p.Gly471Ser. To our knowledge, this variant has not been reported in the literature. This variant is reported in 0.0056% of alleles in individuals of African descent in gnomAD. At this time, the clinical significance of this variant is uncertain due to the absence of conclusive functional and genetic evidence.

Labcorp Genetics (formerly Invitae), Labcorp
Classification: Uncertain significance. Last evaluated: 2022-04-29. Review status: criteria provided, single submitter. Criteria: Invitae Variant Classification Sherloc (09022015). Collection method: clinical testing. Allele origin: germline.
Comment: This sequence change replaces glycine, which is neutral and non-polar, with serine, which is neutral and polar, at codon 471 of the LOXHD1 protein (p.Gly471Ser). This variant is present in population databases (rs370135563, gnomAD 0.01%). This missense change has been observed in individual(s) with deafness (Invitae). In at least one individual the data is consistent with being in trans (on the opposite chromosome) from a pathogenic variant. Algorithms developed to predict the effect of missense changes on protein structure and function are either unavailable or do not agree on the potential impact of this missense change (SIFT: "Deleterious"; PolyPhen-2: "Benign"; Align-GVGD: "Class C0"). In summary, the available evidence is currently insufficient to determine the role of this variant in disease. Therefore, it has been classified as a Variant of Uncertain Significance.

Ambry Genetics
Classification: Uncertain significance for Inborn genetic diseases. Last evaluated: 2021-09-30. Review status: criteria provided, single submitter. Criteria: Ambry Variant Classification Scheme 2023. Collection method: clinical testing. Allele origin: germline.